The following is an entry in ClinVar:

NM_001999.4(FBN2):c.4301G>C (p.Cys1434Ser)

Gene: FBN2 (fibrillin 2; minus strand). Cytogenetic location: 5q23.3.
Variant type: single nucleotide variant.
Coding change: c.4301G>C on transcript NM_001999.4 (MANE Select); coding-DNA position 4301, G replaced by C.
Protein change: p.Cys1434Ser; replaces cysteine 1434 with serine.
Molecular consequence: missense variant.
Genome position (GRCh38, 1-based): chr5:128,330,617, C>G on the plus strand (G>C on the coding strand, the complement: FBN2 is on the minus strand). VCF-style: chr5-128330617-C-G. GRCh37 (hg19) VCF-style: chr5-127666309-C-G.
Other names: short protein forms C1434S.
Identifiers: ClinVar variation 945271 (VCV000945271.10), dbSNP rs1750667332, ClinGen allele CA360753978.

ClinVar aggregate classification (germline): Likely pathogenic (1 of 4 stars; one submission).

Conditions:
Congenital contractural arachnodactyly (CCA). Also called: BEALS SYNDROME; Arthrogryposis, distal, type 9; Beals-Hecht syndrome. Identifiers: Orphanet 115, MedGen C0220668, MONDO:0007363, OMIM 121050.

Submission:

Labcorp Genetics (formerly Invitae), Labcorp
Classification: Likely pathogenic for Congenital contractural arachnodactyly. Last evaluated: 2022-08-16. Review status: criteria provided, single submitter. Criteria: Invitae Variant Classification Sherloc (09022015). Collection method: clinical testing. Allele origin: germline.
Comment: In summary, the currently available evidence indicates that the variant is pathogenic, but additional data are needed to prove that conclusively. Therefore, this variant has been classified as Likely Pathogenic. This variant affects a cysteine residue located within an epidermal growth factor (EGF)–like domain of the FBN2 protein. Cysteine residues in these domains are involved in the formation of disulfide bridges critical for protein structure and stability (PMID: 3495735, 4750422, 16677079). In addition, missense substitutions within the FBN2 EGF-like domains affecting cysteine residues are overrepresented in patients with congenital contractural arachnodactyly (PMID: 18767143). Advanced modeling of protein sequence and biophysical properties (such as structural, functional, and spatial information, amino acid conservation, physicochemical variation, residue mobility, and thermodynamic stability) performed at Invitae indicates that this missense variant is expected to disrupt FBN2 protein function. ClinVar contains an entry for this variant (Variation ID: 945271). This missense change has been observed in individual(s) with congenital contractural arachnodactyly (PMID: 7493032, 31316167). This variant is not present in population databases (gnomAD no frequency). This sequence change replaces cysteine, which is neutral and slightly polar, with serine, which is neutral and polar, at codon 1434 of the FBN2 protein (p.Cys1434Ser).

Literature cited by the submitters: PubMed 3495735; PubMed 4750422; PubMed 16677079; PubMed 18767143; PubMed 7493032; PubMed 31316167.